The following is an entry in ClinVar:

NM_032043.3(BRIP1):c.3219del (p.Ile1074fs)

Gene: BRIP1 (BRCA1 interacting DNA helicase 1; minus strand). Cytogenetic location: 17q23.2.
Variant type: Deletion.
Coding change: c.3219del on transcript NM_032043.3 (MANE Select); coding-DNA position 3219, one base deleted (T; older notation c.3219delT).
Protein change: p.Ile1074fs; shifts the reading frame from isoleucine 1074.
Molecular consequence: frameshift variant.
Genome position (GRCh38, 1-based): chr17:61,683,827, A deleted on the plus strand (T on the coding strand, the reverse complement: BRIP1 is on the minus strand); the first of 2 consecutive A bases (chr17:61,683,827-61,683,828); deleting either gives the same sequence. VCF-style (leftmost placement, unchanged base first): chr17-61683826-TA-T. GRCh37 (hg19) VCF-style: chr17-59761187-TA-T.
Other names: short protein forms I1074fs.
Identifiers: ClinVar variation 2774983 (VCV002774983.3), dbSNP rs1252979934, ClinGen allele CA627146456.
Genomic context (GRCh38, chr17:61,683,826, plus strand): 5'-AGAGCGGATGTTCAGAATGATTTTTTCTAGTAAGGGTGGCATCAATCTTTAATGATGAAA[TA>T]ATGGTTTCTGATTGAGGGCATGATCCAAACGATGTGTTTACTGTCAGATTTGAGGATTCA-3'

ClinVar aggregate classification (germline): Likely pathogenic. Review status: criteria provided, multiple submitters, no conflicts (2 of 4 stars). 2 submissions from 2 submitters: Likely pathogenic (2). Last evaluated 2023-08-25.

Conditions:
BRIP1-related disorder. Also called: BRIP1-related condition; BRIP1-related disorders. Identifiers: MedGen CN239206.
Hereditary cancer-predisposing syndrome. Also called: Neoplastic Syndromes, Hereditary; Tumor predisposition; Hereditary neoplastic syndrome; Hereditary Cancer Syndrome. Identifiers: Orphanet 140162, MedGen C0027672, MeSH D009386, MONDO:0015356.

Submissions (2):

Blueprint Genetics
Classification: Likely pathogenic for BRIP1-related disorders. Last evaluated: 2023-08-25. Review status: criteria provided, single submitter. Criteria: ACMG Guidelines, 2015. Collection method: clinical testing. Allele origin: germline. Affected: yes. Observed: 3 variant alleles.

Color Diagnostics, LLC DBA Color Health
Classification: Likely pathogenic for Hereditary cancer-predisposing syndrome. Last evaluated: 2023-07-10. Review status: criteria provided, single submitter. Criteria: ACMG Guidelines, 2015. Collection method: clinical testing. Allele origin: germline.
Comment: This variant deletes 1 nucleotide in exon 20 of the BRIP1 gene, creating a frameshift and premature translation stop signal in the last coding exon. This mutant transcript is predicted to escape nonsense-mediated decay and be expressed as a truncated protein. The mutant protein would lack the region (codons 1130-1153) that has been shown to be important for TopBP1 binding in vitro and DNA replication-stress response in ex vivo cell culture (PMID: 20159562, 21127055). To our knowledge, this variant has not been reported in individuals affected with hereditary cancer in the literature. This variant has been identified in 1/251348 chromosomes in the general population by the Genome Aggregation Database (gnomAD). Multiple truncation variants that occur downstream of this variant are reported as disease-causing in ClinVar (e.g., c.3390_3393del (p.Tyr1131Leufs*18), ClinVar Variation ID: 229712). Loss of BRIP1 function is a known mechanism of disease. Based on the available evidence, this variant is classified as Likely Pathogenic.

Literature cited by the submitters: PubMed 20159562 (cited by Color Diagnostics, LLC DBA Color Health); PubMed 21127055 (cited by Color Diagnostics, LLC DBA Color Health).